The following is an entry in ClinVar:

NM_003590.5(CUL3):c.1294T>G (p.Tyr432Asp)

Gene: CUL3 (cullin 3; minus strand). Cytogenetic location: 2q36.2.
Variant type: single nucleotide variant.
Coding change: c.1294T>G on transcript NM_003590.5 (MANE Select); coding-DNA position 1294, T replaced by G.
Protein change: p.Tyr432Asp; replaces tyrosine 432 with aspartic acid.
Molecular consequence: missense variant.
Genome position (GRCh38, 1-based): chr2:224,503,735, A>C on the plus strand (T>G on the coding strand, the complement: CUL3 is on the minus strand). VCF-style: chr2-224503735-A-C. GRCh37 (hg19) VCF-style: chr2-225368452-A-C.
Other names: c.1096T>G, p.Tyr366Asp (NM_001257197.2); c.1312T>G, p.Tyr438Asp (NM_001257198.2); short protein forms Y366D, Y432D, Y438D.
Identifiers: ClinVar variation 1700528 (VCV001700528.3), dbSNP rs2106197042, ClinGen allele CA350827427.
Genomic context (GRCh38, chr2:224,503,735, plus strand): 5'-TTTCAGAGTCATCAGAAACACTTTTATTTGTGAGAAGTCTCCTTGCCAAGTGTTGTTTAT[A>C]ATAACGTTCAAATACATCTTTTTCTTGCATAAACCTAAAAAGGACCATTGCTTTATCCAA-3'
Protein context (NP_003581.1, residues 422-442): MQEKDVFERY[Tyr432Asp]KQHLARRLLT

ClinVar aggregate classification (germline): Uncertain significance. Review status: criteria provided, multiple submitters, no conflicts (2 of 4 stars). 2 submissions from 2 submitters: Uncertain significance (2). Last evaluated 2025-09-04.

Conditions:
CUL3-related disorder. Also called: CUL3-related condition; CUL3-related disorders.

Submissions (2):

PreventionGenetics, part of Exact Sciences
Classification: Uncertain significance for CUL3-related condition. Last evaluated: 2025-09-04. Review status: criteria provided, single submitter. Criteria: ACMG Guidelines, 2015. Collection method: clinical testing. Allele origin: germline.
Comment: The CUL3 c.1294T>G variant is predicted to result in the amino acid substitution p.Tyr432Asp. To our knowledge, this variant has not been reported in the literature or in a large population database (gnomAD), indicating this variant is rare. At this time, the clinical significance of this variant is uncertain due to the absence of conclusive functional and genetic evidence.

GeneDx
Classification: Uncertain significance. Last evaluated: 2022-01-18. Review status: criteria provided, single submitter. Criteria: GeneDx Variant Classification Process June 2021. Collection method: clinical testing. Allele origin: germline. Affected: yes.
Comment: Not observed at significant frequency in large population cohorts (gnomAD); In silico analysis supports that this missense variant has a deleterious effect on protein structure/function; Has not been previously published as pathogenic or benign to our knowledge